The following is an entry in ClinVar:

ClinVar aggregate classification (germline): Uncertain significance. Review status: criteria provided, multiple submitters, no conflicts (2 of 4 stars). 2 submissions from 2 submitters: Uncertain significance (2). Last evaluated 2024-12-30.

Conditions:
Primary ciliary dyskinesia. Also called: Ciliary dyskinesia. Identifiers: Orphanet 244, MedGen C0008780, MONDO:0016575, HP:0012265.
Primary ciliary dyskinesia 19. Also called: CILIARY DYSKINESIA, PRIMARY, 19, WITH OR WITHOUT SITUS INVERSUS. Identifiers: Orphanet 244, MedGen C3543826, MONDO:0013979, OMIM 614935.

Allele frequency attached by ClinVar (database versions not stated): gnomAD exomes below 0.00001; ExAC 0.00002; gnomAD 0.00010; TOPMed 0.00011; ESP Exome Variant Server 0.00015.
gnomAD v4.1: 22 of 1,613,760 alleles (0.0014%); highest among the groups gnomAD compares: African/African-American, 0.027%; no homozygotes.

Submissions (2):

Ambry Genetics
Classification: Uncertain significance for Primary ciliary dyskinesia. Last evaluated: 2024-12-30. Review status: criteria provided, single submitter. Criteria: Ambry Variant Classification Scheme 2023. Collection method: clinical testing. Allele origin: germline.

Labcorp Genetics (formerly Invitae), Labcorp
Classification: Uncertain significance for Primary ciliary dyskinesia 19. Last evaluated: 2023-10-11. Review status: criteria provided, single submitter. Criteria: Invitae Variant Classification Sherloc (09022015). Collection method: clinical testing. Allele origin: germline.
Comment: This sequence change replaces isoleucine, which is neutral and non-polar, with threonine, which is neutral and polar, at codon 33 of the LRRC6 protein (p.Ile33Thr). This variant is present in population databases (rs376498462, gnomAD 0.02%). This variant has not been reported in the literature in individuals affected with LRRC6-related conditions. Advanced modeling of protein sequence and biophysical properties (such as structural, functional, and spatial information, amino acid conservation, physicochemical variation, residue mobility, and thermodynamic stability) has been performed at Invitae for this missense variant, however the output from this modeling did not meet the statistical confidence thresholds required to predict the impact of this variant on LRRC6 protein function. In summary, the available evidence is currently insufficient to determine the role of this variant in disease. Therefore, it has been classified as a Variant of Uncertain Significance.

NM_012472.6(DNAAF11):c.98T>C (p.Ile33Thr)

Gene: DNAAF11 (dynein axonemal assembly factor 11; minus strand). Cytogenetic location: 8q24.22.
Variant type: single nucleotide variant.
Coding change: c.98T>C on transcript NM_012472.6 (MANE Select); coding-DNA position 98, T replaced by C.
Protein change: p.Ile33Thr; replaces isoleucine 33 with threonine.
Molecular consequence: missense variant. On other transcripts: 5 prime UTR variant (4), non-coding transcript variant (7), intron variant (1).
Genome position (GRCh38, 1-based): chr8:132,661,540, A>G on the plus strand (T>C on the coding strand, the complement: DNAAF11 is on the minus strand). VCF-style: chr8-132661540-A-G. GRCh37 (hg19) VCF-style: chr8-133673786-A-G.
Other names: c.98T>C, p.Ile33Thr (NM_001321961.2); c.-263T>C (NM_001321963.2, NM_001321964.2, NM_001321966.2); c.-576T>C (NM_001321965.2); c.10+13944T>C (NM_001321962.2); c.98T>C (NM_012472.3); short protein forms I33T.
Identifiers: ClinVar variation 2739863 (VCV002739863.3), dbSNP rs376498462, ClinGen allele CA4881470.